The following is an entry in ClinVar:

ClinVar aggregate classification (germline): Pathogenic. Review status: criteria provided, single submitter (1 of 4 stars). 2 submissions from 2 submitters: Pathogenic (1). 1 of the submissions does not count toward it. Last evaluated 2016-05-17.

Conditions:
Pitt-Hopkins syndrome (PTHS). Also called: MENTAL RETARDATION, SYNDROMAL, WITH INTERMITTENT HYPERVENTILATION; ENCEPHALOPATHY, SEVERE EPILEPTIC, WITH AUTONOMIC DYSFUNCTION. Identifiers: Orphanet 2896, MedGen C1970431, MONDO:0012589, OMIM 610954.

Submissions (2):

Labcorp Genetics (formerly Invitae), Labcorp
Classification: Pathogenic for Pitt-Hopkins syndrome. Last evaluated: 2016-05-17. Review status: criteria provided, single submitter. Criteria: Invitae Variant Classification Sherloc (09022015). Collection method: clinical testing. Allele origin: germline.
Comment: For these reasons, this variant has been classified as Pathogenic. This sequence change creates a premature translational stop signal at codon 480 (p.Gln480*) of the TCF4 gene. It is expected to result in an absent or disrupted protein product. Truncating variants in TCF4 are known to be pathogenic. This particular truncation has been reported in the literature in an individual affected with Pitt-Hopkins syndrome (PMID: 22045651).

Mendelics
Classification: Pathogenic for Pitt-Hopkins syndrome. Last evaluated: 2013-08-30. Review status: no assertion criteria provided. Collection method: clinical testing. Allele origin: de novo. Affected: yes. Not counted in ClinVar's aggregate classification.

Literature cited by the submitters: PubMed 22045651 (cited by Labcorp Genetics (formerly Invitae), Labcorp and Mendelics); PubMed 22934316 (cited by Mendelics).

NM_001083962.2(TCF4):c.1438C>T (p.Gln480Ter)

Gene: TCF4 (transcription factor 4; minus strand). Cytogenetic location: 18q21.2.
Variant type: single nucleotide variant.
Coding change: c.1438C>T on transcript NM_001083962.2 (MANE Select); coding-DNA position 1438, C replaced by T.
Protein change: p.Gln480Ter; replaces glutamine 480 with a stop codon.
Molecular consequence: nonsense.
Genome position (GRCh38, 1-based): chr18:55,234,596, G>A on the plus strand (C>T on the coding strand, the complement: TCF4 is on the minus strand). VCF-style: chr18-55234596-G-A. GRCh37 (hg19) VCF-style: chr18-52901827-G-A.
Other names: c.1366C>T, p.Gln456Ter (NM_001306207.1, NM_001369575.1, NM_001243227.2 and 5 more transcripts); c.1225C>T, p.Gln409Ter (NM_001306208.1, NM_001243232.1); c.1435C>T, p.Gln479Ter (NM_001330604.3, NM_001369573.1, NM_001369574.1 and 2 more transcripts); c.1048C>T, p.Gln350Ter (NM_001330605.3, NM_001348212.2, NM_001348213.2 and 1 more transcripts); c.1312C>T, p.Gln438Ter (NM_001348211.2, NM_001243231.2); c.955C>T, p.Gln319Ter (NM_001348214.2); c.790C>T, p.Gln264Ter (NM_001348215.2); c.958C>T, p.Gln320Ter (NM_001348216.2, NM_001243234.2, NM_001243235.2 and 1 more transcripts); and 6 more; short protein forms Q480*, Q409*, Q457*, Q479*, Q264*, Q455*, Q477*, Q319*.
Identifiers: ClinVar variation 180214 (VCV000180214.8), dbSNP rs727505396, ClinGen allele CA273731.